The following is an entry in ClinVar:

NC_000014.8:g.(?_23881948)_(23888819_23889053)del

Genes: MIR208B (microRNA 208b; minus strand), MYH7 (myosin heavy chain 7; minus strand). Cytogenetic location: 14q11.2.
Variant type: Deletion.
Identifiers: ClinVar variation 3339805 (VCV003339805.1).

ClinVar aggregate classification (germline): Uncertain significance (1 of 4 stars; one submission).

Submission:

Women's Health and Genetics/Laboratory Corporation of America, LabCorp
Classification: Uncertain significance. Last evaluated: 2024-06-25. Review status: criteria provided, single submitter. Criteria: LabCorp Variant Classification Summary - May 2015. Collection method: clinical testing. Allele origin: germline.
Comment: Variant summary: The variant involves the deletion of exons 28-40 in the MYH7 gene. This Copy Number Variant (CNV) involves a partial deletion of exons 28-40 in the MYH7 gene. This CNV spans a canonical splice-site involving the last intron and therefore, is predicted to escape nonsense mediated decay (NMD). A presumed nomenclature of c.(3726+1_3727-1)_(*115_?)del has been designated for the purposes of this classification. The variant was absent in 20310 control chromosomes (gnomAD structural variants dataset). The available data on variant occurrences in the general population are insufficient to allow any conclusion about variant significance. To our knowledge, no occurrence of c.(3726+1_3727-1)_(*115_?)del in individuals affected with Cardiomyopathy and no experimental evidence demonstrating its impact on protein function have been reported. Current molecular mechanism of disease for this gene is gain of function. ClinVar contains an entry for this variant (Variation ID: 2422697). Based on the evidence outlined above, the variant was classified as uncertain significance.